The following is an entry in ClinVar:

ClinVar aggregate classification (germline): Uncertain significance. Review status: criteria provided, multiple submitters, no conflicts (2 of 4 stars). 2 submissions from 2 submitters: Uncertain significance (2). Last evaluated 2026-07-27.

Conditions:
RAI1-related disorder. Also called: RAI1-related condition.

gnomAD v4.1: 3 of 1,613,602 alleles (0.00019%); highest among the groups gnomAD compares: Non-Finnish European, 0.00025%; no homozygotes.

Submissions (2):

PreventionGenetics, part of Exact Sciences
Classification: Uncertain significance for RAI1-related condition. Last evaluated: 2026-07-27. Review status: criteria provided, single submitter. Criteria: ACMG Guidelines, 2015. Collection method: clinical testing. Allele origin: germline.
Comment: The RAI1 c.2866C>T variant is predicted to result in the amino acid substitution p.Pro956Ser. To our knowledge, this variant has not been reported in the literature or in a large population database (gnomAD), indicating this variant is rare. At this time, the clinical significance of this variant is uncertain due to the absence of conclusive functional and genetic evidence.

Labcorp Genetics (formerly Invitae), Labcorp
Classification: Uncertain significance. Last evaluated: 2025-04-08. Review status: criteria provided, single submitter. Criteria: Invitae Variant Classification Sherloc (09022015). Collection method: clinical testing. Allele origin: germline.
Comment: This sequence change replaces proline, which is neutral and non-polar, with serine, which is neutral and polar, at codon 956 of the RAI1 protein (p.Pro956Ser). This variant is not present in population databases (gnomAD no frequency). This variant has not been reported in the literature in individuals affected with RAI1-related conditions. ClinVar contains an entry for this variant (Variation ID: 1472593). Invitae Evidence Modeling of protein sequence and biophysical properties (such as structural, functional, and spatial information, amino acid conservation, physicochemical variation, residue mobility, and thermodynamic stability) indicates that this missense variant is not expected to disrupt RAI1 protein function with a negative predictive value of 80%. In summary, the available evidence is currently insufficient to determine the role of this variant in disease. Therefore, it has been classified as a Variant of Uncertain Significance.

NM_030665.4(RAI1):c.2866C>T (p.Pro956Ser)

Gene: RAI1 (retinoic acid induced 1; plus strand). Cytogenetic location: 17p11.2.
Variant type: single nucleotide variant.
Coding change: c.2866C>T on transcript NM_030665.4 (MANE Select); coding-DNA position 2866, C replaced by T.
Protein change: p.Pro956Ser; replaces proline 956 with serine.
Molecular consequence: missense variant.
Genome position (GRCh38, 1-based): chr17:17,795,814, C>T. VCF-style: chr17-17795814-C-T. GRCh37 (hg19) VCF-style: chr17-17699128-C-T.
Other names: c.2866C>T (NM_030665.3); short protein forms P956S.
Identifiers: ClinVar variation 1472593 (VCV001472593.7), dbSNP rs943570523, ClinGen allele CA288370097.